The following is an entry in ClinVar:

ClinVar aggregate classification (germline): Uncertain significance. Review status: criteria provided, multiple submitters, no conflicts (2 of 4 stars). 7 submissions from 7 submitters: Uncertain significance (7). Last evaluated 2024-10-24.

Conditions:
Familial adenomatous polyposis 1 (FAP1). Also called: POLYPOSIS, ADENOMATOUS INTESTINAL; FAMILIAL ADENOMATOUS POLYPOSIS 1, ATTENUATED. Identifiers: MedGen C2713442, MONDO:0021056, OMIM 175100. Disease mechanism: loss of function.
Classic or attenuated familial adenomatous polyposis. Identifiers: MedGen CN372698, MONDO:0021057.
Hereditary cancer-predisposing syndrome. Also called: Tumor predisposition; Neoplastic Syndromes, Hereditary; Hereditary Cancer Syndrome; Hereditary neoplastic syndrome. Identifiers: Orphanet 140162, MedGen C0027672, MeSH D009386, MONDO:0015356.

Allele frequency attached by ClinVar (database versions not stated): gnomAD exomes below 0.00001.
gnomAD v4.1: 1 of 1,613,848 alleles (0.000062%); highest among the groups gnomAD compares: Non-Finnish European, 0.000085%; no homozygotes.

Submissions (7):

GeneDx
Classification: Uncertain significance. Last evaluated: 2024-10-24. Review status: criteria provided, single submitter. Criteria: GeneDx Variant Classification Process June 2021. Collection method: clinical testing. Allele origin: germline. Affected: yes.
Comment: Not observed at significant frequency in large population cohorts (gnomAD); In silico analysis indicates that this missense variant does not alter protein structure/function; Has not been previously published as pathogenic or benign to our knowledge; This variant is associated with the following publications: (PMID: 18199528)

Ambry Genetics
Classification: Uncertain significance for Hereditary cancer-predisposing syndrome. Last evaluated: 2024-06-19. Review status: criteria provided, single submitter. Criteria: Ambry Variant Classification Scheme 2023. Collection method: clinical testing. Allele origin: germline.
Comment: The p.G1944E variant (also known as c.5831G>A), located in coding exon 15 of the APC gene, results from a G to A substitution at nucleotide position 5831. The glycine at codon 1944 is replaced by glutamic acid, an amino acid with similar properties. This amino acid position is not well conserved in available vertebrate species. In addition, in silico predictors for this gene do not accurately predict pathogenicity. Since supporting evidence is limited at this time, the clinical significance of this alteration remains unclear.

Labcorp Genetics (formerly Invitae), Labcorp
Classification: Uncertain significance for Familial adenomatous polyposis 1. Last evaluated: 2024-05-26. Review status: criteria provided, single submitter. Criteria: Invitae Variant Classification Sherloc (09022015). Collection method: clinical testing. Allele origin: germline.
Comment: This sequence change replaces glycine, which is neutral and non-polar, with glutamic acid, which is acidic and polar, at codon 1944 of the APC protein (p.Gly1944Glu). This variant is not present in population databases (gnomAD no frequency). This variant has not been reported in the literature in individuals affected with APC-related conditions. ClinVar contains an entry for this variant (Variation ID: 801037). Advanced modeling of protein sequence and biophysical properties (such as structural, functional, and spatial information, amino acid conservation, physicochemical variation, residue mobility, and thermodynamic stability) performed at Invitae indicates that this missense variant is not expected to disrupt APC protein function with a negative predictive value of 95%. In summary, the available evidence is currently insufficient to determine the role of this variant in disease. Therefore, it has been classified as a Variant of Uncertain Significance.

All of Us Research Program, National Institutes of Health
Classification: Uncertain significance for Classic or attenuated familial adenomatous polyposis. Last evaluated: 2024-04-16. Review status: criteria provided, single submitter. Criteria: ACMG Guidelines, 2015. Collection method: clinical testing. Allele origin: germline. Inheritance: Autosomal dominant inheritance. Observed: 1 variant allele, 1 heterozygote.
Comment: This missense variant replaces glycine with glutamic acid at codon 1944 of the APC protein. Computational prediction suggests that this variant may not impact protein structure and function (internally defined REVEL score threshold <= 0.5, PMID: 27666373). To our knowledge, functional studies have not been reported for this variant. This variant has not been reported in individuals affected with APC-related disorders in the literature. This variant has not been identified in the general population by the Genome Aggregation Database (gnomAD). The available evidence is insufficient to determine the role of this variant in disease conclusively. Therefore, this variant is classified as a Variant of Uncertain Significance.

This study involves interpretation of variants in research participants for the purpose of population health screening. Participant phenotype was not available at the time of variant classification. Additional details can be found in publication PMID: 35346344, PMCID: PMC8962531

Color Diagnostics, LLC DBA Color Health
Classification: Uncertain significance for Hereditary cancer-predisposing syndrome. Last evaluated: 2024-03-19. Review status: criteria provided, single submitter. Criteria: ACMG Guidelines, 2015. Collection method: clinical testing. Allele origin: germline.
Comment: This missense variant replaces glycine with glutamic acid at codon 1944 of the APC protein. Computational prediction suggests that this variant may not impact protein structure and function. To our knowledge, functional studies have not been reported for this variant. This variant has not been reported in individuals affected with APC-related disorders in the literature. This variant has not been identified in the general population by the Genome Aggregation Database (gnomAD). The available evidence is insufficient to determine the role of this variant in disease conclusively. Therefore, this variant is classified as a Variant of Uncertain Significance.

Baylor Genetics
Classification: Uncertain significance for Familial adenomatous polyposis 1. Last evaluated: 2024-01-22. Review status: criteria provided, single submitter. Criteria: ACMG Guidelines, 2015. Collection method: clinical testing. Allele origin: unknown.

Quest Diagnostics Nichols Institute San Juan Capistrano
Classification: Uncertain significance. Last evaluated: 2018-12-05. Review status: criteria provided, single submitter. Criteria: Quest Diagnostics criteria. Collection method: clinical testing. Allele origin: germline.

NM_000038.6(APC):c.5831G>A (p.Gly1944Glu)

Gene: APC (APC regulator of Wnt signaling pathway; plus strand). Cytogenetic location: 5q22.2.
Variant type: single nucleotide variant.
Coding change: c.5831G>A on transcript NM_000038.6 (MANE Select); coding-DNA position 5831, G replaced by A.
Protein change: p.Gly1944Glu; replaces glycine 1944 with glutamic acid.
Molecular consequence: missense variant.
Genome position (GRCh38, 1-based): chr5:112,841,425, G>A. VCF-style: chr5-112841425-G-A. GRCh37 (hg19) VCF-style: chr5-112177122-G-A.
Other names: c.5831G>A, p.Gly1944Glu (NM_001127510.3, NM_001354895.2); c.5777G>A, p.Gly1926Glu (NM_001127511.3); c.5885G>A, p.Gly1962Glu (NM_001354896.2); c.5861G>A, p.Gly1954Glu (NM_001354897.2); c.5756G>A, p.Gly1919Glu (NM_001354898.2); c.5747G>A, p.Gly1916Glu (NM_001354899.2); c.5708G>A, p.Gly1903Glu (NM_001354900.2); c.5654G>A, p.Gly1885Glu (NM_001354901.2); and 5 more; short protein forms G1661E, G1903E, G1919E, G1926E, G1944E, G1818E, G1843E, G1853E.
Identifiers: ClinVar variation 801037 (VCV000801037.20), dbSNP rs1561602972, ClinGen allele CA16034088.